The following is an entry in ClinVar:

ClinVar aggregate classification (germline): Uncertain significance (1 of 4 stars; one submission).

Conditions:
Emery-Dreifuss muscular dystrophy 5, autosomal dominant (EDMD5). Also called: EMERY-DREIFUSS MUSCULAR DYSTROPHY 5. Identifiers: Orphanet 261, MedGen C2751805, MONDO:0013072, OMIM 612999.

Allele frequency attached by ClinVar (database versions not stated): gnomAD 0.00001 and 0.00002; gnomAD exomes 0.00002.
gnomAD v4.1: 15 of 1,610,252 alleles (0.00093%); highest among the groups gnomAD compares: East Asian, 0.031%; no homozygotes.

Submission:

Labcorp Genetics (formerly Invitae), Labcorp
Classification: Uncertain significance for Emery-Dreifuss muscular dystrophy 5, autosomal dominant. Last evaluated: 2025-05-30. Review status: criteria provided, single submitter. Criteria: Invitae Variant Classification Sherloc (09022015). Collection method: clinical testing. Allele origin: germline.
Comment: This sequence change replaces leucine, which is neutral and non-polar, with proline, which is neutral and non-polar, at codon 433 of the SYNE2 protein (p.Leu433Pro). This variant is not present in population databases (gnomAD no frequency). This variant has not been reported in the literature in individuals affected with SYNE2-related conditions. ClinVar contains an entry for this variant (Variation ID: 1477057). An algorithm developed to predict the effect of missense changes on protein structure and function (PolyPhen-2) suggests that this variant is likely to be disruptive. In summary, the available evidence is currently insufficient to determine the role of this variant in disease. Therefore, it has been classified as a Variant of Uncertain Significance.

NM_182914.3(SYNE2):c.1298T>C (p.Leu433Pro)

Gene: SYNE2 (spectrin repeat containing nuclear envelope protein 2; plus strand). Cytogenetic location: 14q23.2.
Variant type: single nucleotide variant.
Coding change: c.1298T>C on transcript NM_182914.3 (MANE Select); coding-DNA position 1298, T replaced by C.
Protein change: p.Leu433Pro; replaces leucine 433 with proline.
Molecular consequence: missense variant.
Genome position (GRCh38, 1-based): chr14:63,977,909, T>C. VCF-style: chr14-63977909-T-C. GRCh37 (hg19) VCF-style: chr14-64444627-T-C.
Other names: c.1298T>C, p.Leu433Pro (NM_015180.6); short protein forms L433P.
Identifiers: ClinVar variation 1477057 (VCV001477057.6), dbSNP rs2096556875, ClinGen allele CA389955703.